The following is an entry in ClinVar:

ClinVar aggregate classification (germline): Benign/Likely benign. Review status: criteria provided, multiple submitters, no conflicts (2 of 4 stars). 5 submissions from 5 submitters: Benign (1); Likely benign (4). Last evaluated 2026-02-01.

Conditions:
Primary ciliary dyskinesia. Also called: Ciliary dyskinesia. Identifiers: Orphanet 244, MedGen C0008780, MONDO:0016575, HP:0012265.

Allele frequency attached by ClinVar (database versions not stated): gnomAD exomes 0.00010 and 0.00022; ExAC 0.00028; ESP Exome Variant Server 0.00069; gnomAD 0.00072 and 0.00077; TOPMed 0.00078; 1000 Genomes Project 0.00080; 1000 Genomes Project 30x 0.00094.
gnomAD v4.1: 259 of 1,602,242 alleles (0.016%); highest among the groups gnomAD compares: African/African-American, 0.24%; no homozygotes.

Submissions (5):

CeGaT Center for Human Genetics Tuebingen
Classification: Likely benign. Last evaluated: 2026-02-01. Review status: criteria provided, single submitter. Criteria: CeGaT Center For Human Genetics Tuebingen Variant Classification Criteria Version 2. Collection method: clinical testing. Allele origin: germline. Affected: yes. Observed: 1 variant allele.
Comment: ODAD1: BP4, BP7

Labcorp Genetics (formerly Invitae), Labcorp
Classification: Benign for Primary ciliary dyskinesia. Last evaluated: 2025-11-16. Review status: criteria provided, single submitter. Criteria: Invitae Variant Classification Sherloc (09022015). Collection method: clinical testing. Allele origin: germline.

Blueprint Genetics
Classification: Likely benign. Last evaluated: 2024-11-08. Review status: criteria provided, single submitter. Criteria: ACMG Guidelines, 2015. Collection method: clinical testing. Allele origin: germline.

Ambry Genetics
Classification: Likely benign for Primary ciliary dyskinesia. Last evaluated: 2017-12-27. Review status: criteria provided, single submitter. Criteria: Ambry Variant Classification Scheme 2023. Collection method: clinical testing. Allele origin: germline.

PreventionGenetics, part of Exact Sciences
Classification: Likely benign. Review status: criteria provided, single submitter. Criteria: ACMG Guidelines, 2015. Collection method: clinical testing. Allele origin: germline.

NM_001364171.2(ODAD1):c.1650C>T (p.Asp550=)

Gene: ODAD1 (outer dynein arm docking complex subunit 1; minus strand). Cytogenetic location: 19q13.33.
Variant type: single nucleotide variant.
Coding change: c.1650C>T on transcript NM_001364171.2 (MANE Select); coding-DNA position 1650, C replaced by T.
Protein change: p.Asp550=; no amino-acid change (aspartic acid 550 retained).
Molecular consequence: synonymous variant.
Genome position (GRCh38, 1-based): chr19:48,297,450, G>A on the plus strand (C>T on the coding strand, the complement: ODAD1 is on the minus strand). VCF-style: chr19-48297450-G-A. GRCh37 (hg19) VCF-style: chr19-48800707-G-A.
Other names: c.1539C>T, p.Asp513= (NM_144577.4).
Identifiers: ClinVar variation 262492 (VCV000262492.16), dbSNP rs74722451, ClinGen allele CA9548591.
Genomic context (GRCh38, chr19:48,297,450, plus strand): 5'-CACCAGGACGGTACTGGAGCCGGCCCTCTGGGTGCTGGCCAGGTCCACGCTCAGGGTGCC[G>A]TCCAGCTTCGCGGCGGCGGCGGCCAGGTCCTTCTGGCGCTGCGCCTCCGCCTGCTCCTGG-3'
Protein context (NP_001351100.1, residues 540-560): KDLAAAAAKL[Asp550=]GTLSVDLAST